The following is an entry in ClinVar:

NM_006514.4(SCN10A):c.2068A>C (p.Ser690Arg)

Gene: SCN10A (sodium voltage-gated channel alpha subunit 10; minus strand). Cytogenetic location: 3p22.2.
Variant type: single nucleotide variant.
Coding change: c.2068A>C on transcript NM_006514.4 (MANE Select); coding-DNA position 2068, A replaced by C.
Protein change: p.Ser690Arg; replaces serine 690 with arginine.
Molecular consequence: missense variant.
Genome position (GRCh38, 1-based): chr3:38,742,329, T>G on the plus strand (A>C on the coding strand, the complement: SCN10A is on the minus strand). VCF-style: chr3-38742329-T-G. GRCh37 (hg19) VCF-style: chr3-38783820-T-G.
Other names: c.2068A>C, p.Ser690Arg (NM_001293306.2); c.1774A>C, p.Ser592Arg (NM_001293307.2); short protein forms S690R, S592R.
Identifiers: ClinVar variation 4739383 (VCV004739383.1).

ClinVar aggregate classification (germline): Uncertain significance (1 of 4 stars; one submission).

Conditions:
Brugada syndrome. Also called: Sudden unexplained nocturnal death syndrome; Sudden unexpected nocturnal death syndrome; Sudden Unexplained Death Syndrome; Sudden Unexplained Nocturnal Death Syndrome (SUNDS). Identifiers: Orphanet 130, MedGen C1142166, MONDO:0015263.

gnomAD v4.1: 2 of 1,613,842 alleles (0.00012%); highest among the groups gnomAD compares: Non-Finnish European, 0.00017%; no homozygotes.

Submission:

Labcorp Genetics (formerly Invitae), Labcorp
Classification: Uncertain significance for Brugada syndrome. Last evaluated: 2025-12-11. Review status: criteria provided, single submitter. Criteria: Invitae Variant Classification Sherloc (09022015). Collection method: clinical testing. Allele origin: germline.
Comment: This sequence change replaces serine, which is neutral and polar, with arginine, which is basic and polar, at codon 690 of the SCN10A protein (p.Ser690Arg). This variant is not present in population databases (gnomAD no frequency). This variant has not been reported in the literature in individuals affected with SCN10A-related conditions. Invitae Evidence Modeling of protein sequence and biophysical properties (such as structural, functional, and spatial information, amino acid conservation, physicochemical variation, residue mobility, and thermodynamic stability) indicates that this missense variant is not expected to disrupt SCN10A protein function with a negative predictive value of 80%. In summary, the available evidence is currently insufficient to determine the role of this variant in disease. Therefore, it has been classified as a Variant of Uncertain Significance.